The following is an entry in ClinVar:

ClinVar aggregate classification (germline): Likely pathogenic. Review status: criteria provided, multiple submitters, no conflicts (2 of 4 stars). 3 submissions from 3 submitters: Likely pathogenic (2). 1 of the submissions does not count toward it. Last evaluated 2025-01-10.

Conditions:
Cyanosis, transient neonatal (TNCY). Also called: CYANOSIS, TRANSIENT NEONATEL. Identifiers: Orphanet 280615, MedGen C3151421, MONDO:0013511, OMIM 613977.

Submissions (3):

ARUP Laboratories, Molecular Genetics and Genomics, ARUP Laboratories
Classification: Likely pathogenic. Last evaluated: 2025-01-10. Review status: criteria provided, single submitter. Criteria: ARUP Molecular Germline Variant Investigation Process 2024. Collection method: clinical testing. Allele origin: germline.
Comment: The Hb F-M-Osaka variant (HBG2: c.190C>T; p.His64Tyr, also known as His63Tyr when numbered from the mature protein, rs34474104, HbVar ID: 601) has been reported in newborns with mild methemoglobinemia and transient neonatal cyanosis (Alonso-Ojembarrena 2016, Chandran 2022, Chen 2024, Yuan 2020, see HbVar and references therein). Hb F-M-Osaka has also been found to segregate with transient neonatal cyanosis (Alonso-Ojembarrena 2016, Yuan 2020). This variant is absent from the Genome Aggregation Database (v2.1.1), indicating it is not a common polymorphism. Computational analyses predict that this variant is deleterious (REVEL: 0.88). Based on available information, this variant is considered to be likely pathogenic. References: Link to HbVar database: Alonso-Ojembarrena A et al. Hemoglobin M Disease as a Cause of Cyanosis in a Newborn. J Pediatr Hematol Oncol. 2016 Apr;38(3):173-5. PMID: 26694193. Chandran S et al. The journey from blue to pinkâ€“a rare cause for self-limiting methemoglobinemia in an Indian baby. Case Reports in Perinatal Medicine. 2022 Aug 11. DOI 10.1515/crpm-2021-0054 Chen Y et al. Case Report: A case report and literature review of hemoglobin variation associated with neonatal cyanosis. Front Pediatr. 2024 Feb 13;12:1334757. PMID: 38415208. Yuan J and Zhu XP. Clinical characteristics on manifestation and gene mutation of a transient neonatal cyanosis: A case report. World J Clin Cases. 2020 Jan 6;8(1):217-221. PMID: 31970190.

GeneDx
Classification: Likely pathogenic. Last evaluated: 2024-05-17. Review status: criteria provided, single submitter. Criteria: GeneDx Variant Classification Process June 2021. Collection method: clinical testing. Allele origin: germline. Affected: yes.
Comment: Not observed at significant frequency in large population cohorts (gnomAD); In silico analysis supports that this missense variant has a deleterious effect on protein structure/function; Also known as Hb FM-Osaka and p.(H63Y); This variant is associated with the following publications: (PMID: 19065339, 2470018, 38415208, 6158500, 8811323, Chandran2022[CaseReport], 31970190, 12603090)

OMIM
Classification: Pathogenic for CYANOSIS, TRANSIENT NEONATAL. Last evaluated: 2008-01-01. Review status: no assertion criteria provided. Collection method: literature only. Allele origin: germline. Not counted in ClinVar's aggregate classification.

Literature cited by the submitters: PubMed 2470018 (cited by OMIM); PubMed 6158500 (cited by OMIM); PubMed 8811323 (cited by OMIM); PubMed 12603090 (cited by OMIM); PubMed 19065339 (cited by OMIM).

NM_000184.3(HBG2):c.190C>T (p.His64Tyr)

Genes: HBG2 (hemoglobin subunit gamma 2; minus strand), LOC106099065 (HBG2 recombination region; plus strand). Cytogenetic location: 11p15.4.
Variant type: single nucleotide variant.
Coding change: c.190C>T on transcript NM_000184.3 (MANE Select); coding-DNA position 190, C replaced by T.
Protein change: p.His64Tyr; replaces histidine 64 with tyrosine.
Molecular consequence: missense variant.
Genome position (GRCh38, 1-based): chr11:5,254,417, G>A on the plus strand (C>T on the coding strand, the complement: HBG2 is on the minus strand). VCF-style: chr11-5254417-G-A. GRCh37 (hg19) VCF-style: chr11-5275647-G-A.
Other names: H63Y; Hb F-M-Osaka; short protein forms H64Y.
Identifiers: ClinVar variation 14981 (VCV000014981.4), dbSNP rs34474104, ClinGen allele CA124542.